The following is an entry in ClinVar:

ClinVar aggregate classification (germline): Uncertain significance (1 of 4 stars; one submission).

Submission:

Labcorp Genetics (formerly Invitae), Labcorp
Classification: Uncertain significance. Last evaluated: 2022-03-14. Review status: criteria provided, single submitter. Criteria: Invitae Variant Classification Sherloc (09022015). Collection method: clinical testing. Allele origin: germline.
Comment: In summary, the available evidence is currently insufficient to determine the role of this variant in disease. Therefore, it has been classified as a Variant of Uncertain Significance. Algorithms developed to predict the effect of missense changes on protein structure and function are either unavailable or do not agree on the potential impact of this missense change (SIFT: "Tolerated"; PolyPhen-2: "Possibly Damaging"; Align-GVGD: "Class C0"). This variant has not been reported in the literature in individuals affected with TTC37-related conditions. This variant is not present in population databases (gnomAD no frequency). This sequence change replaces serine, which is neutral and polar, with tyrosine, which is neutral and polar, at codon 1465 of the TTC37 protein (p.Ser1465Tyr).

NM_014639.4(SKIC3):c.4394C>A (p.Ser1465Tyr)

Gene: SKIC3 (SKI3 subunit of superkiller complex; minus strand). Cytogenetic location: 5q15.
Variant type: single nucleotide variant.
Coding change: c.4394C>A on transcript NM_014639.4 (MANE Select); coding-DNA position 4394, C replaced by A.
Protein change: p.Ser1465Tyr; replaces serine 1465 with tyrosine.
Molecular consequence: missense variant.
Genome position (GRCh38, 1-based): chr5:95,469,882, G>T on the plus strand (C>A on the coding strand, the complement: SKIC3 is on the minus strand). VCF-style: chr5-95469882-G-T. GRCh37 (hg19) VCF-style: chr5-94805586-G-T.
Other names: short protein forms S1465Y.
Identifiers: ClinVar variation 2111694 (VCV002111694.4), dbSNP rs2530671440, ClinGen allele CA360439603.